The following is an entry in ClinVar:

ClinVar aggregate classification (germline): Uncertain significance (1 of 4 stars; one submission).

gnomAD v4.1: 1 of 1,613,724 alleles (0.000062%); highest among the groups gnomAD compares: Non-Finnish European, 0.000085%; no homozygotes.

Submission:

Labcorp Genetics (formerly Invitae), Labcorp
Classification: Uncertain significance. Last evaluated: 2026-01-23. Review status: criteria provided, single submitter. Criteria: Invitae Variant Classification Sherloc (09022015). Collection method: clinical testing. Allele origin: germline.
Comment: This sequence change replaces arginine, which is basic and polar, with tryptophan, which is neutral and slightly polar, at codon 729 of the ZNF292 protein (p.Arg729Trp). This variant is not present in population databases (gnomAD no frequency). This variant has not been reported in the literature in individuals affected with ZNF292-related conditions. Invitae Evidence Modeling of protein sequence and biophysical properties (such as structural, functional, and spatial information, amino acid conservation, physicochemical variation, residue mobility, and thermodynamic stability) indicates that this missense variant is expected to disrupt ZNF292 protein function with a positive predictive value of 80%. In summary, the available evidence is currently insufficient to determine the role of this variant in disease. Therefore, it has been classified as a Variant of Uncertain Significance.

NM_015021.3(ZNF292):c.2185C>T (p.Arg729Trp)

Gene: ZNF292 (zinc finger protein 292; plus strand). Cytogenetic location: 6q14.3.
Variant type: single nucleotide variant.
Coding change: c.2185C>T on transcript NM_015021.3 (MANE Select); coding-DNA position 2185, C replaced by T.
Protein change: p.Arg729Trp; replaces arginine 729 with tryptophan.
Molecular consequence: missense variant.
Genome position (GRCh38, 1-based): chr6:87,255,814, C>T. VCF-style: chr6-87255814-C-T. GRCh37 (hg19) VCF-style: chr6-87965532-C-T.
Other names: c.1765C>T, p.Arg589Trp (NM_001351444.2); short protein forms R589W, R729W.
Identifiers: ClinVar variation 4741607 (VCV004741607.1).
Genomic context (GRCh38, chr6:87,255,814, plus strand): 5'-GAAGACGCCAAGCGCTTTCTTGAAATGCAGAGCAAAAAAGTTATTTGCCAGTACTGTAGG[C>T]GGCATTTTGTGAGTGTTACTCATCTCAATGATCACTTACAGATGCACTGTGGCAGTAAAC-3'
Protein context (NP_055836.1, residues 719-739): SKKVICQYCR[Arg729Trp]HFVSVTHLND